The following is an entry in ClinVar:

NM_001083926.2(ASRGL1):c.857C>T (p.Ala286Val)

Gene: ASRGL1 (asparaginase and isoaspartyl peptidase 1; plus strand). Cytogenetic location: 11q12.3.
Variant type: single nucleotide variant.
Coding change: c.857C>T on transcript NM_001083926.2 (MANE Select); coding-DNA position 857, C replaced by T.
Protein change: p.Ala286Val; replaces alanine 286 with valine.
Molecular consequence: missense variant.
Genome position (GRCh38, 1-based): chr11:62,392,214, C>T. VCF-style: chr11-62392214-C-T. GRCh37 (hg19) VCF-style: chr11-62159686-C-T.
Other names: c.857C>T, p.Ala286Val (NM_025080.4); short protein forms A286V.
Identifiers: ClinVar variation 4714303 (VCV004714303.1).

ClinVar aggregate classification (germline): Uncertain significance (1 of 4 stars; one submission).

gnomAD v4.1: 1 of 1,614,234 alleles (0.000062%); highest among the groups gnomAD compares: African/African-American, 0.0013%; no homozygotes.

Submission:

Labcorp Genetics (formerly Invitae), Labcorp
Classification: Uncertain significance. Last evaluated: 2025-03-09. Review status: criteria provided, single submitter. Criteria: Invitae Variant Classification Sherloc (09022015). Collection method: clinical testing. Allele origin: germline.
Comment: This sequence change replaces alanine, which is neutral and non-polar, with valine, which is neutral and non-polar, at codon 286 of the ASRGL1 protein (p.Ala286Val). This variant is not present in population databases (gnomAD no frequency). This variant has not been reported in the literature in individuals affected with ASRGL1-related conditions. An algorithm developed to predict the effect of missense changes on protein structure and function (PolyPhen-2) suggests that this variant is likely to be disruptive. In summary, the available evidence is currently insufficient to determine the role of this variant in disease. Therefore, it has been classified as a Variant of Uncertain Significance.